The following is an entry in ClinVar:

ClinVar aggregate classification (germline): Benign. Review status: criteria provided, multiple submitters, no conflicts (2 of 4 stars). 2 submissions from 2 submitters: Benign (2). Last evaluated 2025-02-16.

Conditions:
Leigh syndrome (NULS). Also called: Leigh's necrotizing encephalopathy; Leigh's disease; Leigh Syndrome (mtDNA deletion); Leigh Disease; Subacute necrotizing encephalopathy; Necrotizing encephalopathy infantile subacute of Leigh. Identifiers: Orphanet 506, MedGen C2931891, MONDO:0009723, OMIM 256000.

Submissions (2):

Laboratory of Genetics, Children's Clinical University Hospital Latvia
Classification: Benign. Last evaluated: 2025-02-16. Review status: criteria provided, single submitter. Criteria: ACMG Guidelines, 2015. Collection method: clinical testing. Allele origin: germline. Affected: yes.

Wong Mito Lab, Molecular and Human Genetics, Baylor College of Medicine
Classification: Benign for Leigh syndrome. Last evaluated: 2019-10-17. Review status: criteria provided, single submitter. Criteria: Modified ACMG Guidelines (Unpublished). Collection method: clinical testing. Allele origin: germline.
Comment: The NC_012920.1:m.12358A>G (YP_003024036.1:p.Thr8Ala) variant in MTND5 gene is interpretated to be a Benign variant based on the modified ACMG guidelines (unpublished). This variant meets the following evidence codes: BA1

NC_012920.1(MT-ND5):m.12358A>G

Gene: MT-ND5 (mitochondrially encoded NADH dehydrogenase 5; plus strand).
Variant type: single nucleotide variant.
Genome position: chrM-12358-A-G.
Identifiers: ClinVar variation 693424 (VCV000693424.2), dbSNP rs201027657, ClinGen allele CA337099460.
Genomic context (GRCh38, chrMT:12,358, plus strand): 5'-TAGGCCCCAAAAATTTTGGTGCAACTCCAAATAAAAGTAATAACCATGCACACTACTATA[A>G]CCACCCTAACCCTGACTTCCCTAATTCCCCCCATCCTTACCACCCTCGTTAACCCTAACA-3'